The following is an entry in ClinVar:

ClinVar aggregate classification (germline): Benign/Likely benign. Review status: criteria provided, multiple submitters, no conflicts (2 of 4 stars). 4 submissions from 4 submitters: Benign (1); Likely benign (3). Last evaluated 2025-02-19.

Allele frequency attached by ClinVar (database versions not stated): gnomAD exomes 0.00011 and 0.00025; ExAC 0.00028; 1000 Genomes Project 30x 0.00031; 1000 Genomes Project 0.00040; gnomAD 0.00117 and 0.00126; TOPMed 0.00130; ESP Exome Variant Server 0.00138.
gnomAD v4.1: 350 of 1,614,062 alleles (0.022%); highest among the groups gnomAD compares: African/African-American, 0.42%; 2 homozygotes.

Submissions (4):

Labcorp Genetics (formerly Invitae), Labcorp
Classification: Benign. Last evaluated: 2025-02-19. Review status: criteria provided, single submitter. Criteria: Invitae Variant Classification Sherloc (09022015). Collection method: clinical testing. Allele origin: germline.

Blueprint Genetics
Classification: Likely benign. Last evaluated: 2024-01-23. Review status: criteria provided, single submitter. Criteria: ACMG Guidelines, 2015. Collection method: clinical testing. Allele origin: germline.

GeneDx
Classification: Likely benign. Last evaluated: 2020-06-05. Review status: criteria provided, single submitter. Criteria: GeneDx Variant Classification Process June 2021. Collection method: clinical testing. Allele origin: germline. Affected: yes.

Laboratory for Molecular Medicine, Mass General Brigham Personalized Medicine
Classification: Likely benign. Last evaluated: 2012-04-30. Review status: criteria provided, single submitter. Criteria: LMM Criteria. Collection method: clinical testing. Allele origin: germline. Observed: 1 variant allele.
Comment: Ala205Ala in Exon 02 of MARVELD2: This variant is not expected to have clinical significance because it does not alter an amino acid residue, is not located wit hin the splice consensus sequence, and has been identified in 0.4% (15/3738) of African American chromosomes from a broad population by the NHLBI Exome Sequenci ng Project (dbSNP rs146796266).

NM_001038603.3(MARVELD2):c.615C>T (p.Ala205=)

Gene: MARVELD2 (MARVEL domain containing 2; plus strand). Cytogenetic location: 5q13.2.
Variant type: single nucleotide variant.
Coding change: c.615C>T on transcript NM_001038603.3 (MANE Select); coding-DNA position 615, C replaced by T.
Protein change: p.Ala205=; no amino-acid change (alanine 205 retained).
Molecular consequence: synonymous variant.
Genome position (GRCh38, 1-based): chr5:69,420,000, C>T. VCF-style: chr5-69420000-C-T. GRCh37 (hg19) VCF-style: chr5-68715827-C-T.
Other names: c.615C>T, p.Ala205= (NM_001244734.2).
Identifiers: ClinVar variation 43846 (VCV000043846.15), dbSNP rs146796266, ClinGen allele CA133017.